The following is an entry in ClinVar:

NM_004444.5(EPHB4):c.1848G>T (p.Lys616Asn)

Gene: EPHB4 (EPH receptor B4; minus strand). Cytogenetic location: 7q22.1.
Variant type: single nucleotide variant.
Coding change: c.1848G>T on transcript NM_004444.5 (MANE Select); coding-DNA position 1848, G replaced by T.
Protein change: p.Lys616Asn; replaces lysine 616 with asparagine.
Molecular consequence: missense variant.
Genome position (GRCh38, 1-based): chr7:100,813,117, C>A on the plus strand (G>T on the coding strand, the complement: EPHB4 is on the minus strand). VCF-style: chr7-100813117-C-A. GRCh37 (hg19) VCF-style: chr7-100410739-C-A.
Other names: short protein forms K616N.
Identifiers: ClinVar variation 4798413 (VCV004798413.1).

ClinVar aggregate classification (germline): Uncertain significance (1 of 4 stars; one submission).

Submission:

Labcorp Genetics (formerly Invitae), Labcorp
Classification: Uncertain significance. Last evaluated: 2025-11-01. Review status: criteria provided, single submitter. Criteria: Invitae Variant Classification Sherloc (09022015). Collection method: clinical testing. Allele origin: germline.
Comment: This sequence change replaces lysine, which is basic and polar, with asparagine, which is neutral and polar, at codon 616 of the EPHB4 protein (p.Lys616Asn). This variant is not present in population databases (gnomAD no frequency). This variant has not been reported in the literature in individuals affected with EPHB4-related conditions. Invitae Evidence Modeling of protein sequence and biophysical properties (such as structural, functional, and spatial information, amino acid conservation, physicochemical variation, residue mobility, and thermodynamic stability) has been performed for this missense variant. However, the output from this modeling did not meet the statistical confidence thresholds required to predict the impact of this variant on EPHB4 protein function. In summary, the available evidence is currently insufficient to determine the role of this variant in disease. Therefore, it has been classified as a Variant of Uncertain Significance.